The following is an entry in ClinVar:

NM_024642.5(GALNT12):c.1345-18C>T

Gene: GALNT12 (polypeptide N-acetylgalactosaminyltransferase 12; plus strand). Cytogenetic location: 9q22.33.
Variant type: single nucleotide variant.
Coding change: c.1345-18C>T on transcript NM_024642.5 (MANE Select); 18 bases into the intron before coding-DNA position 1345, C replaced by T.
Molecular consequence: intron variant.
Genome position (GRCh38, 1-based): chr9:98,844,078, C>T. VCF-style: chr9-98844078-C-T. GRCh37 (hg19) VCF-style: chr9-101606360-C-T.
Identifiers: ClinVar variation 2067147 (VCV002067147.5), dbSNP rs2490552045, ClinGen allele CA2580080849.

ClinVar aggregate classification (germline): Likely benign. Review status: criteria provided, multiple submitters, no conflicts (2 of 4 stars). 2 submissions from 2 submitters: Likely benign (2). Last evaluated 2026-04-22.

Conditions:
Colorectal cancer, susceptibility to, 1. Also called: COLORECTAL ADENOMA AND CANCER, SUSCEPTIBILITY TO; COLORECTAL CANCER, SUSCEPTIBILITY TO, ON CHROMOSOME 9. Identifiers: MedGen C1837315, MONDO:0012132, OMIM 608812.

Submissions (2):

Myriad Genetics, Inc.
Classification: Likely benign for Colorectal cancer, susceptibility to, 1. Last evaluated: 2026-04-22. Review status: criteria provided, single submitter. Criteria: Myriad Autosomal Dominant, Autosomal Recessive and X-Linked Classification Criteria (2023). Collection method: clinical testing. Allele origin: unknown.
Comment: This variant is considered likely benign. This variant is intronic and is not expected to impact mRNA splicing.

Labcorp Genetics (formerly Invitae), Labcorp
Classification: Likely benign. Last evaluated: 2021-12-25. Review status: criteria provided, single submitter. Criteria: Invitae Variant Classification Sherloc (09022015). Collection method: clinical testing. Allele origin: germline.